The following is an entry in ClinVar:

NM_022455.5(NSD1):c.2947G>A (p.Gly983Ser)

Gene: NSD1 (nuclear receptor binding SET domain protein 1; plus strand). Cytogenetic location: 5q35.3.
Variant type: single nucleotide variant.
Coding change: c.2947G>A on transcript NM_022455.5 (MANE Select); coding-DNA position 2947, G replaced by A.
Protein change: p.Gly983Ser; replaces glycine 983 with serine.
Molecular consequence: missense variant.
Genome position (GRCh38, 1-based): chr5:177,211,346, G>A. VCF-style: chr5-177211346-G-A. GRCh37 (hg19) VCF-style: chr5-176638347-G-A.
Other names: c.2074G>A, p.Gly692Ser (NM_001365684.2, NM_001409306.1, NM_001409307.1 and 3 more transcripts); c.2947G>A, p.Gly983Ser (NM_001409301.1, NM_001409302.1, NM_001409303.1); c.2527G>A, p.Gly843Ser (NM_001409304.1); c.2194G>A, p.Gly732Ser (NM_001409305.1); short protein forms G714S, G983S, G692S, G732S, G843S.
Identifiers: ClinVar variation 1683376 (VCV001683376.2), dbSNP rs373280032, ClinGen allele CA3577342.

ClinVar aggregate classification (germline): Uncertain significance. Review status: criteria provided, multiple submitters, no conflicts (2 of 4 stars). 2 submissions from 2 submitters: Uncertain significance (2). Last evaluated 2023-02-28.

Allele frequency attached by ClinVar (database versions not stated): ExAC 0.00001; gnomAD 0.00001; ESP Exome Variant Server 0.00008.
gnomAD v4.1: 2 of 1,613,968 alleles (0.00012%); highest among the groups gnomAD compares: South Asian, 0.0022%; 1 homozygote.

Submissions (2):

GeneDx
Classification: Uncertain significance. Last evaluated: 2023-02-28. Review status: criteria provided, single submitter. Criteria: GeneDx Variant Classification Process June 2021. Collection method: clinical testing. Allele origin: germline. Affected: yes.
Comment: Not observed at significant frequency in large population cohorts (gnomAD); In silico analysis supports that this missense variant does not alter protein structure/function; Has not been previously published as pathogenic or benign to our knowledge

Women's Health and Genetics/Laboratory Corporation of America, LabCorp
Classification: Uncertain significance. Last evaluated: 2022-04-06. Review status: criteria provided, single submitter. Criteria: LabCorp Variant Classification Summary - May 2015. Collection method: clinical testing. Allele origin: germline.
Comment: Variant summary: NSD1 c.2947G>A (p.Gly983Ser) results in a non-conservative amino acid change in the encoded protein sequence. Four of five in-silico tools predict a benign effect of the variant on protein function. The variant was absent in 251118 control chromosomes (gnomAD). The available data on variant occurrences in the general population are insufficient to allow any conclusion about variant significance. To our knowledge, no occurrence of c.2947G>A in individuals affected with Sotos Syndrome 1 and no experimental evidence demonstrating its impact on protein function have been reported. No clinical diagnostic laboratories have submitted clinical-significance assessments for this variant to ClinVar after 2014. Based on the evidence outlined above, the variant was classified as uncertain significance.